The following is an entry in ClinVar:

NM_001378778.1(MPDZ):c.35A>T (p.His12Leu)

Gene: MPDZ (multiple PDZ domain crumbs cell polarity complex component; minus strand). Cytogenetic location: 9p23.
Variant type: single nucleotide variant.
Coding change: c.35A>T on transcript NM_001378778.1 (MANE Select); coding-DNA position 35, A replaced by T.
Protein change: p.His12Leu; replaces histidine 12 with leucine.
Molecular consequence: missense variant.
Genome position (GRCh38, 1-based): chr9:13,247,783, T>A on the plus strand (A>T on the coding strand, the complement: MPDZ is on the minus strand). VCF-style: chr9-13247783-T-A. GRCh37 (hg19) VCF-style: chr9-13247782-T-A.
Other names: c.35A>T (NM_003829.3); c.35A>T, p.His12Leu (NM_001261406.2, NM_001261407.2, NM_001330637.2 and 14 more transcripts); short protein forms H12L.
Identifiers: ClinVar variation 2191208 (VCV002191208.5), dbSNP rs753480520, ClinGen allele CA4988260.

ClinVar aggregate classification (germline): Uncertain significance. Review status: criteria provided, multiple submitters, no conflicts (2 of 4 stars). 2 submissions from 2 submitters: Uncertain significance (2). Last evaluated 2025-08-20.

Conditions:
Inborn genetic diseases. Identifiers: MedGen C0950123, MeSH D030342.

Allele frequency attached by ClinVar (database versions not stated): ExAC 0.00001.
gnomAD v4.1: 2 of 1,607,714 alleles (0.00012%); highest among the groups gnomAD compares: Admixed American, 0.0017%; no homozygotes.

Submissions (2):

Ambry Genetics
Classification: Uncertain significance for Inborn genetic diseases. Last evaluated: 2025-08-20. Review status: criteria provided, single submitter. Criteria: Ambry Variant Classification Scheme 2023. Collection method: clinical testing. Allele origin: germline.

Labcorp Genetics (formerly Invitae), Labcorp
Classification: Uncertain significance. Last evaluated: 2022-04-28. Review status: criteria provided, single submitter. Criteria: Invitae Variant Classification Sherloc (09022015). Collection method: clinical testing. Allele origin: germline.
Comment: This sequence change replaces histidine, which is basic and polar, with leucine, which is neutral and non-polar, at codon 12 of the MPDZ protein (p.His12Leu). In summary, the available evidence is currently insufficient to determine the role of this variant in disease. Therefore, it has been classified as a Variant of Uncertain Significance. Algorithms developed to predict the effect of missense changes on protein structure and function are either unavailable or do not agree on the potential impact of this missense change (SIFT: "Deleterious"; PolyPhen-2: "Benign"; Align-GVGD: "Class C35"). This variant has not been reported in the literature in individuals affected with MPDZ-related conditions. This variant is present in population databases (rs753480520, gnomAD 0.003%).